The following is an entry in ClinVar:

ClinVar aggregate classification (germline): Pathogenic (1 of 4 stars; one submission).

Conditions:
Leber congenital amaurosis 2 (LCA2). Also called: AMAUROSIS CONGENITA OF LEBER II; Autosomal Recessive RPE65-Related Retinal Degeneration. Identifiers: Orphanet 65, MedGen C1859844, MONDO:0008765, OMIM 204100. Disease mechanism: loss of function.
Retinitis pigmentosa 20 (RP20). Identifiers: Orphanet 791, MedGen C3151086, MONDO:0013425, OMIM 613794.

Submission:

Labcorp Genetics (formerly Invitae), Labcorp
Classification: Pathogenic for Leber congenital amaurosis 2; Retinitis pigmentosa 20. Last evaluated: 2023-05-12. Review status: criteria provided, single submitter. Criteria: Invitae Variant Classification Sherloc (09022015). Collection method: clinical testing. Allele origin: germline.
Comment: For these reasons, this variant has been classified as Pathogenic. This variant has not been reported in the literature in individuals affected with RPE65-related conditions. This variant is a gross deletion of the genomic region encompassing exon(s) 3-5 of the RPE65 gene. This deletion is out-of-frame, and is expected to create a premature termination codon and result in an absent or disrupted protein product. Loss-of-function variants in RPE65 are known to be pathogenic (PMID: 9326941, 9501220, 9843205, 18632300).

Literature cited by the submitters: PubMed 9326941; PubMed 9501220; PubMed 9843205; PubMed 18632300.

NC_000001.10:g.(?_68910194)_(68912563_?)del

Gene: RPE65 (retinoid isomerohydrolase RPE65; minus strand). Cytogenetic location: 1p31.2.
Variant type: Deletion.
Identifiers: ClinVar variation 2422901 (VCV002422901.4).